The following is an entry in ClinVar:

ClinVar aggregate classification (germline): Likely benign. Review status: criteria provided, multiple submitters, no conflicts (2 of 4 stars). 2 submissions from 2 submitters: Likely benign (2). Last evaluated 2025-07-30.

Conditions:
Cortical dysplasia-focal epilepsy syndrome (PTHSL1). Also called: Pitt-Hopkins-like syndrome 1. Identifiers: Orphanet 163681, Orphanet 221150, MedGen C2750246, MONDO:0012400, OMIM 610042.

Allele frequency attached by ClinVar (database versions not stated): gnomAD exomes below 0.00001; ExAC 0.00002; gnomAD 0.00005; TOPMed 0.00011.
gnomAD v4.1: 11 of 1,611,618 alleles (0.00068%); highest among the groups gnomAD compares: Admixed American, 0.01%; no homozygotes.

Submissions (2):

Labcorp Genetics (formerly Invitae), Labcorp
Classification: Likely benign for Cortical dysplasia-focal epilepsy syndrome. Last evaluated: 2025-07-30. Review status: criteria provided, single submitter. Criteria: Invitae Variant Classification Sherloc (09022015). Collection method: clinical testing. Allele origin: germline.

Women's Health and Genetics/Laboratory Corporation of America, LabCorp
Classification: Likely benign. Last evaluated: 2024-05-09. Review status: criteria provided, single submitter. Criteria: LabCorp Variant Classification Summary - May 2015. Collection method: clinical testing. Allele origin: germline.
Comment: Variant summary: CNTNAP2 c.939+19A>G alters a non-conserved nucleotide located at a position not widely known to affect splicing. Consensus agreement among computation tools predict no significant impact on normal splicing. However, these predictions have yet to be confirmed by functional studies. The variant allele was found at a frequency of 4e-06 in 249916 control chromosomes. The available data on variant occurrences in the general population are insufficient to allow any conclusion about variant significance. To our knowledge, no occurrence of c.939+19A>G in individuals affected with Autism, Susceptibility To, 15 and no experimental evidence demonstrating its impact on protein function have been reported. ClinVar contains an entry for this variant (Variation ID: 2770605). Based on the evidence outlined above, the variant was classified as likely benign.

NM_014141.6(CNTNAP2):c.939+19A>G

Gene: CNTNAP2 (contactin associated protein 2; plus strand). Cytogenetic location: 7q35.
Variant type: single nucleotide variant.
Coding change: c.939+19A>G on transcript NM_014141.6 (MANE Select); 19 bases into the intron after coding-DNA position 939, A replaced by G.
Molecular consequence: intron variant.
Genome position (GRCh38, 1-based): chr7:147,121,182, A>G. VCF-style: chr7-147121182-A-G. GRCh37 (hg19) VCF-style: chr7-146818274-A-G.
Identifiers: ClinVar variation 2770605 (VCV002770605.4), dbSNP rs750403586, ClinGen allele CA4545925.